The following is an entry in ClinVar:

NM_144997.7(FLCN):c.250-5G>A

Gene: FLCN (folliculin; minus strand). Cytogenetic location: 17p11.2.
Variant type: single nucleotide variant.
Coding change: c.250-5G>A on transcript NM_144997.7 (MANE Select); 5 bases into the intron before coding-DNA position 250, G replaced by A.
Molecular consequence: intron variant.
Genome position (GRCh38, 1-based): chr17:17,226,327, C>T on the plus strand (G>A on the coding strand, the complement: FLCN is on the minus strand). VCF-style: chr17-17226327-C-T. GRCh37 (hg19) VCF-style: chr17-17129641-C-T.
Other names: c.250-5G>A (NM_001353231.2, NM_001353230.2, NM_001353229.2 and 1 more transcripts).
Identifiers: ClinVar variation 3572326 (VCV003572326.2).

ClinVar aggregate classification (germline): Uncertain significance (1 of 4 stars; one submission).

Submission:

Quest Diagnostics Nichols Institute San Juan Capistrano
Classification: Uncertain significance. Last evaluated: 2025-05-15. Review status: criteria provided, single submitter. Criteria: Quest Diagnostics criteria. Collection method: clinical testing. Allele origin: unknown.
Comment: The FLCN c.250-5G>A variant has not been reported in individuals with FLCN-related conditions in the published literature. It also has not been reported in large, multi-ethnic general populations (Genome Aggregation Database). Analysis of this variant using software algorithms for the prediction of the effect of nucleotide changes on splicing yielded predictions that this variant does not affect FLCN mRNA splicing. Based on the available information, we are unable to determine the clinical significance of this variant.